The following is an entry in ClinVar:

ClinVar aggregate classification (germline): Uncertain significance (1 of 4 stars; one submission).

Conditions:
Charcot-Marie-Tooth disease axonal type 2C (HMSN2C). Also called: CHARCOT-MARIE-TOOTH DISEASE, AXONAL, AUTOSOMAL DOMINANT, TYPE 2C; Charcot-Marie-Tooth Neuropathy Type 2C; Charcot-Marie-Tooth Disease Type 2, TRPV4-Related (CMT2C). Identifiers: Orphanet 99937, MedGen C1853710, MONDO:0011633, OMIM 606071.

Submission:

Labcorp Genetics (formerly Invitae), Labcorp
Classification: Uncertain significance for Charcot-Marie-Tooth disease axonal type 2C. Last evaluated: 2024-07-21. Review status: criteria provided, single submitter. Criteria: Invitae Variant Classification Sherloc (09022015). Collection method: clinical testing. Allele origin: germline.
Comment: This sequence change replaces alanine, which is neutral and non-polar, with glycine, which is neutral and non-polar, at codon 266 of the TRPV4 protein (p.Ala266Gly). This variant is not present in population databases (gnomAD no frequency). This variant has not been reported in the literature in individuals affected with TRPV4-related conditions. Advanced modeling of protein sequence and biophysical properties (such as structural, functional, and spatial information, amino acid conservation, physicochemical variation, residue mobility, and thermodynamic stability) has been performed at Invitae for this missense variant, however the output from this modeling did not meet the statistical confidence thresholds required to predict the impact of this variant on TRPV4 protein function. In summary, the available evidence is currently insufficient to determine the role of this variant in disease. Therefore, it has been classified as a Variant of Uncertain Significance.

NM_021625.5(TRPV4):c.797C>G (p.Ala266Gly)

Gene: TRPV4 (transient receptor potential cation channel subfamily V member 4; minus strand). Cytogenetic location: 12q24.11.
Variant type: single nucleotide variant.
Coding change: c.797C>G on transcript NM_021625.5 (MANE Select); coding-DNA position 797, C replaced by G.
Protein change: p.Ala266Gly; replaces alanine 266 with glycine.
Molecular consequence: missense variant. On other transcripts: intron variant (2).
Genome position (GRCh38, 1-based): chr12:109,800,674, G>C on the plus strand (C>G on the coding strand, the complement: TRPV4 is on the minus strand). VCF-style: chr12-109800674-G-C. GRCh37 (hg19) VCF-style: chr12-110238479-G-C.
Other names: c.695C>G, p.Ala232Gly (NM_001177431.2); c.797C>G, p.Ala266Gly (NM_147204.3); c.713-1762C>G (NM_001177433.1, NM_001177428.1); short protein forms A266G, A232G.
Identifiers: ClinVar variation 3637652 (VCV003637652.2).